The following is an entry in ClinVar:

ClinVar aggregate classification (germline): Uncertain significance (1 of 4 stars; one submission).

Submission:

Women's Health and Genetics/Laboratory Corporation of America, LabCorp
Classification: Uncertain significance. Last evaluated: 2026-02-13. Review status: criteria provided, single submitter. Criteria: LabCorp Variant Classification Summary - May 2015. Collection method: clinical testing. Allele origin: germline.
Comment: Variant summary: DMXL2 c.8050G>A (p.Val2684Ile) results in a conservative amino acid change in the encoded protein sequence. Algorithms developed to predict the effect of missense changes on protein structure and function are either unavailable or do not agree on the potential impact of this missense change. The variant was absent in 251058 control chromosomes. The available data on variant occurrences in the general population are insufficient to allow any conclusion about variant significance. To our knowledge, no occurrence of c.8050G>A in individuals affected with DMXL2-related conditions and no experimental evidence demonstrating its impact on protein function have been reported. No submitters have cited clinical-significance assessments for this variant to ClinVar. Based on the evidence outlined above, the variant was classified as uncertain significance.

NM_001378457.1(DMXL2):c.8116G>A (p.Val2706Ile)

Gene: DMXL2 (Dmx like 2; minus strand). Cytogenetic location: 15q21.2.
Variant type: single nucleotide variant.
Coding change: c.8116G>A on transcript NM_001378457.1 (MANE Select); coding-DNA position 8116, G replaced by A.
Protein change: p.Val2706Ile; replaces valine 2706 with isoleucine.
Molecular consequence: missense variant. On other transcripts: non-coding transcript variant (2).
Genome position (GRCh38, 1-based): chr15:51,458,588, C>T on the plus strand (G>A on the coding strand, the complement: DMXL2 is on the minus strand). VCF-style: chr15-51458588-C-T. GRCh37 (hg19) VCF-style: chr15-51750785-C-T.
Other names: c.6031G>A, p.Val2011Ile (NM_001378460.1); c.8050G>A, p.Val2684Ile (NM_015263.5); c.8053G>A, p.Val2685Ile (NM_001174116.3); c.6142G>A, p.Val2048Ile (NM_001174117.3); c.8113G>A, p.Val2705Ile (NM_001378458.1); c.7828G>A, p.Val2610Ile (NM_001378459.1); short protein forms V2011I, V2048I, V2610I, V2684I, V2685I, V2705I, V2706I.
Identifiers: ClinVar variation 4847833 (VCV004847833.1).